The following is an entry in ClinVar:

ClinVar aggregate classification (germline): Uncertain significance. Review status: criteria provided, multiple submitters, no conflicts (2 of 4 stars). 2 submissions from 2 submitters: Uncertain significance (2). Last evaluated 2025-09-18.

Conditions:
Idiopathic generalized epilepsy. Also called: Generalised epilepsy; EIG. Identifiers: MedGen C0270850, MONDO:0005579, OMIM 600669.
Hyperaldosteronism, familial, type IV (HALD4). Also called: FH IV; ALDOSTERONISM, PRIMARY, AND HYPERTENSION. Identifiers: Orphanet 642671, MedGen C4310756, MONDO:0014875, OMIM 617027.
Epilepsy, childhood absence, susceptibility to, 6. Identifiers: Orphanet 64280, MedGen C2749872, MONDO:0012763, OMIM 611942.

Allele frequency attached by ClinVar (database versions not stated): ESP Exome Variant Server 0.00008; 1000 Genomes Project 30x 0.00016; 1000 Genomes Project 0.00020.
gnomAD v4.1: 13 of 1,606,716 alleles (0.00081%); highest among the groups gnomAD compares: Admixed American, 0.0067%; no homozygotes.

Submissions (2):

Labcorp Genetics (formerly Invitae), Labcorp
Classification: Uncertain significance for Idiopathic generalized epilepsy; Hyperaldosteronism, familial, type IV. Last evaluated: 2025-09-18. Review status: criteria provided, single submitter. Criteria: Invitae Variant Classification Sherloc (09022015). Collection method: clinical testing. Allele origin: germline.
Comment: This sequence change affects codon 1336 of the CACNA1H mRNA. It is a 'silent' change, meaning that it does not change the encoded amino acid sequence of the CACNA1H protein. This variant is present in population databases (rs372696265, gnomAD 0.02%). This variant has not been reported in the literature in individuals affected with CACNA1H-related conditions. ClinVar contains an entry for this variant (Variation ID: 1427080). Algorithms developed to predict the effect of sequence changes on RNA splicing suggest that this variant may create or strengthen a splice site. In summary, the available evidence is currently insufficient to determine the role of this variant in disease. Therefore, it has been classified as a Variant of Uncertain Significance.

Fulgent Genetics
Classification: Uncertain significance for Epilepsy, childhood absence, susceptibility to, 6; Hyperaldosteronism, familial, type IV. Last evaluated: 2024-04-25. Review status: criteria provided, single submitter. Criteria: ACMG Guidelines, 2015. Collection method: clinical testing. Allele origin: germline.

NM_021098.3(CACNA1H):c.4008G>A (p.Thr1336=)

Gene: CACNA1H (calcium voltage-gated channel subunit alpha1 H; plus strand). Cytogenetic location: 16p13.3.
Variant type: single nucleotide variant.
Coding change: c.4008G>A on transcript NM_021098.3 (MANE Select); coding-DNA position 4008, G replaced by A.
Protein change: p.Thr1336=; no amino-acid change (threonine 1336 retained).
Molecular consequence: synonymous variant.
Genome position (GRCh38, 1-based): chr16:1,210,621, G>A. VCF-style: chr16-1210621-G-A. GRCh37 (hg19) VCF-style: chr16-1260621-G-A.
Other names: c.4008G>A, p.Thr1336= (NM_001005407.2).
Identifiers: ClinVar variation 1427080 (VCV001427080.9), dbSNP rs372696265, ClinGen allele CA7801076.